The following is an entry in ClinVar:

NM_000271.5(NPC1):c.1561G>A (p.Ala521Thr)

Gene: NPC1 (NPC intracellular cholesterol transporter 1; minus strand). Cytogenetic location: 18q11.2.
Variant type: single nucleotide variant.
Coding change: c.1561G>A on transcript NM_000271.5 (MANE Select); coding-DNA position 1561, G replaced by A.
Protein change: p.Ala521Thr; replaces alanine 521 with threonine.
Molecular consequence: missense variant.
Genome position (GRCh38, 1-based): chr18:23,551,720, C>T on the plus strand (G>A on the coding strand, the complement: NPC1 is on the minus strand). VCF-style: chr18-23551720-C-T. GRCh37 (hg19) VCF-style: chr18-21131684-C-T.
Other names: short protein forms A521T.
Identifiers: ClinVar variation 597913 (VCV000597913.6), dbSNP rs138184115, ClinGen allele CA8913426.

ClinVar aggregate classification (germline): Uncertain significance. Review status: criteria provided, multiple submitters, no conflicts (2 of 4 stars). 2 submissions from 2 submitters: Uncertain significance (2). Last evaluated 2022-07-26.

Conditions:
Niemann-Pick disease, type C1. Also called: NEUROVISCERAL STORAGE DISEASE WITH VERTICAL SUPRANUCLEAR OPHTHALMOPLEGIA; NIEMANN-PICK DISEASE WITH CHOLESTEROL ESTERIFICATION BLOCK; NIEMANN-PICK DISEASE WITHOUT SPHINGOMYELINASE DEFICIENCY; NIEMANN-PICK DISEASE, CHRONIC NEURONOPATHIC FORM; NIEMANN-PICK DISEASE, VARIANT TYPE C1. Identifiers: Orphanet 646, MedGen C3179455, MONDO:0009757, OMIM 257220.

Allele frequency attached by ClinVar (database versions not stated): TOPMed 0.00002.
gnomAD v4.1: 4 of 1,613,694 alleles (0.00025%); highest among the groups gnomAD compares: East Asian, 0.0067%; no homozygotes.

Submissions (2):

Labcorp Genetics (formerly Invitae), Labcorp
Classification: Uncertain significance for Niemann-Pick disease, type C1. Last evaluated: 2022-07-26. Review status: criteria provided, single submitter. Criteria: Invitae Variant Classification Sherloc (09022015). Collection method: clinical testing. Allele origin: germline.
Comment: This sequence change replaces alanine, which is neutral and non-polar, with threonine, which is neutral and polar, at codon 521 of the NPC1 protein (p.Ala521Thr). This variant is present in population databases (rs138184115, gnomAD 0.02%). This variant has not been reported in the literature in individuals affected with NPC1-related conditions. ClinVar contains an entry for this variant (Variation ID: 597913). Advanced modeling of protein sequence and biophysical properties (such as structural, functional, and spatial information, amino acid conservation, physicochemical variation, residue mobility, and thermodynamic stability) performed at Invitae indicates that this missense variant is not expected to disrupt NPC1 protein function. In summary, the available evidence is currently insufficient to determine the role of this variant in disease. Therefore, it has been classified as a Variant of Uncertain Significance.

Eurofins Ntd Llc (ga)
Classification: Uncertain significance. Last evaluated: 2018-07-05. Review status: criteria provided, single submitter. Criteria: EGL ClinVar v180209 classification definitions. Collection method: clinical testing. Allele origin: germline. Observed: 1 variant allele, 1 heterozygote.